The following is an entry in ClinVar:

NM_006767.4(LZTR1):c.529del (p.Ala177fs)

Gene: LZTR1 (leucine zipper like post translational regulator 1; plus strand). Cytogenetic location: 22q11.21.
Variant type: Deletion.
Coding change: c.529del on transcript NM_006767.4 (MANE Select); coding-DNA position 529, one base deleted (G; older notation c.529delG).
Protein change: p.Ala177fs; shifts the reading frame from alanine 177.
Molecular consequence: frameshift variant.
Genome position (GRCh38, 1-based): chr22:20,988,808, G deleted. VCF-style (leftmost placement, unchanged base first): chr22-20988807-AG-A. GRCh37 (hg19) VCF-style: chr22-21343096-AG-A.
Other names: c.529delG (NM_006767.3); short protein forms A177fs.
Identifiers: ClinVar variation 1411311 (VCV001411311.11), dbSNP rs558510095, ClinGen allele CA10118480.

ClinVar aggregate classification (germline): Pathogenic/Likely pathogenic. Review status: criteria provided, multiple submitters, no conflicts (2 of 4 stars). 3 submissions from 3 submitters: Pathogenic (2); Likely pathogenic (1). Last evaluated 2025-12-29.

Conditions:
LZTR1-related schwannomatosis. Also called: Schwannomatosis 2; Schwannomatosis-2, susceptibility to. Identifiers: Orphanet 93921, MedGen C3810283, MONDO:0014299, OMIM 615670.
Cardiovascular phenotype. Identifiers: MedGen CN230736.
Hereditary cancer-predisposing syndrome. Also called: Hereditary Cancer Syndrome; Tumor predisposition; Hereditary neoplastic syndrome; Neoplastic Syndromes, Hereditary. Identifiers: Orphanet 140162, MedGen C0027672, MeSH D009386, MONDO:0015356.

Allele frequency attached by ClinVar (database versions not stated): gnomAD exomes below 0.00001 and 0.00001; TOPMed below 0.00001; ExAC 0.00001.

Submissions (3):

Labcorp Genetics (formerly Invitae), Labcorp
Classification: Pathogenic. Last evaluated: 2025-12-29. Review status: criteria provided, single submitter. Criteria: Invitae Variant Classification Sherloc (09022015). Collection method: clinical testing. Allele origin: germline.
Comment: This sequence change creates a premature translational stop signal (p.Ala177Profs*23) in the LZTR1 gene. It is expected to result in an absent or disrupted protein product. Loss-of-function variants in LZTR1 are known to be pathogenic (PMID: 24362817, 25335493, 25480913, 25795793, 29469822, 30368668, 30442762, 30442766, 30481304, 30859559). This variant is present in population databases (rs558510095, gnomAD 0.002%). This variant has not been reported in the literature in individuals affected with LZTR1-related conditions. ClinVar contains an entry for this variant (Variation ID: 1411311). For these reasons, this variant has been classified as Pathogenic.

Ambry Genetics
Classification: Pathogenic for Cardiovascular phenotype; Hereditary cancer-predisposing syndrome. Last evaluated: 2025-10-20. Review status: criteria provided, single submitter. Criteria: Ambry Variant Classification Scheme 2023. Collection method: clinical testing. Allele origin: germline.
Comment: The c.529delG pathogenic mutation, located in coding exon 6 of the LZTR1 gene, results from a deletion of one nucleotide at nucleotide position 529, causing a translational frameshift with a predicted alternate stop codon (p.A177Pfs*23). This alteration is expected to result in loss of function by premature protein truncation or nonsense-mediated mRNA decay. Loss-of-function variants in LZTR1 are related to an increased risk for schwannomas and autosomal recessive Noonan syndrome; however, such associations with autosomal dominant Noonan syndrome have not been observed (Piotrowski A et al. Nat Genet. 2014 Feb;46:182-7; Yamamoto GL et al. J Med Genet. 2015 Jun;52:413-21; Johnston JJ et al. Genet Med. 2018 10;20:1175-1185). Based on the supporting evidence, this variant is pathogenic for an increased risk of LZTR1-related schwannomatosis (SWN) and would be expected to cause autosomal recessive Noonan syndrome when present along with a second pathogenic or likely pathogenic variant on the other allele; however, the association of this alteration with autosomal dominant Noonan syndrome is unlikely.

MGZ Medical Genetics Center
Classification: Likely pathogenic for LZTR1-related schwannomatosis. Last evaluated: 2022-06-20. Review status: criteria provided, single submitter. Criteria: ACMG Guidelines, 2015. Collection method: clinical testing. Allele origin: germline. Affected: yes. Observed: 1 variant allele.
Comment: ACMG criteria applied: PVS1, PM2_SUP

Literature cited by the submitters: PubMed 24362817 (cited by Labcorp Genetics (formerly Invitae), Labcorp); PubMed 25335493 (cited by Labcorp Genetics (formerly Invitae), Labcorp); PubMed 25480913 (cited by Labcorp Genetics (formerly Invitae), Labcorp); PubMed 25795793 (cited by Labcorp Genetics (formerly Invitae), Labcorp); PubMed 29469822 (cited by Labcorp Genetics (formerly Invitae), Labcorp); PubMed 30368668 (cited by Labcorp Genetics (formerly Invitae), Labcorp); PubMed 30442762 (cited by Labcorp Genetics (formerly Invitae), Labcorp); PubMed 30442766 (cited by Labcorp Genetics (formerly Invitae), Labcorp); PubMed 30481304 (cited by Labcorp Genetics (formerly Invitae), Labcorp); PubMed 30859559 (cited by Labcorp Genetics (formerly Invitae), Labcorp).